The following is an entry in ClinVar:

NM_001041.4(SI):c.460A>G (p.Thr154Ala)

Gene: SI (sucrase-isomaltase; minus strand). Cytogenetic location: 3q26.1.
Variant type: single nucleotide variant.
Coding change: c.460A>G on transcript NM_001041.4 (MANE Select); coding-DNA position 460, A replaced by G.
Protein change: p.Thr154Ala; replaces threonine 154 with alanine.
Molecular consequence: missense variant.
Genome position (GRCh38, 1-based): chr3:165,068,745, T>C on the plus strand (A>G on the coding strand, the complement: SI is on the minus strand). VCF-style: chr3-165068745-T-C. GRCh37 (hg19) VCF-style: chr3-164786533-T-C.
Other names: c.460A>G (NM_001041.3); short protein forms T154A.
Identifiers: ClinVar variation 1421897 (VCV001421897.8), dbSNP rs370128189, ClinGen allele CA2691492.

ClinVar aggregate classification (germline): Uncertain significance. Review status: criteria provided, multiple submitters, no conflicts (2 of 4 stars). 2 submissions from 2 submitters: Uncertain significance (2). Last evaluated 2025-06-24.

Conditions:
Inborn genetic diseases. Identifiers: MedGen C0950123, MeSH D030342.

Allele frequency attached by ClinVar (database versions not stated): TOPMed below 0.00001; gnomAD 0.00001; gnomAD exomes 0.00002 and 0.00004; ExAC 0.00006.
gnomAD v4.1: 41 of 1,613,306 alleles (0.0025%); highest among the groups gnomAD compares: South Asian, 0.04%; no homozygotes.

Submissions (2):

Ambry Genetics
Classification: Uncertain significance for Inborn genetic diseases. Last evaluated: 2025-06-24. Review status: criteria provided, single submitter. Criteria: Ambry Variant Classification Scheme 2023. Collection method: clinical testing. Allele origin: germline.

Labcorp Genetics (formerly Invitae), Labcorp
Classification: Uncertain significance. Last evaluated: 2024-02-24. Review status: criteria provided, single submitter. Criteria: Invitae Variant Classification Sherloc (09022015). Collection method: clinical testing. Allele origin: germline.
Comment: This sequence change replaces threonine, which is neutral and polar, with alanine, which is neutral and non-polar, at codon 154 of the SI protein (p.Thr154Ala). This variant is present in population databases (rs370128189, gnomAD 0.04%). This variant has not been reported in the literature in individuals affected with SI-related conditions. ClinVar contains an entry for this variant (Variation ID: 1421897). Advanced modeling of protein sequence and biophysical properties (such as structural, functional, and spatial information, amino acid conservation, physicochemical variation, residue mobility, and thermodynamic stability) has been performed at Invitae for this missense variant, however the output from this modeling did not meet the statistical confidence thresholds required to predict the impact of this variant on SI protein function. In summary, the available evidence is currently insufficient to determine the role of this variant in disease. Therefore, it has been classified as a Variant of Uncertain Significance.